The following is an entry in ClinVar:

NM_005262.3(GFER):c.434G>A (p.Cys145Tyr)

Gene: GFER (growth factor, augmenter of liver regeneration; plus strand). Cytogenetic location: 16p13.3.
Variant type: single nucleotide variant.
Coding change: c.434G>A on transcript NM_005262.3 (MANE Select); coding-DNA position 434, G replaced by A.
Protein change: p.Cys145Tyr; replaces cysteine 145 with tyrosine.
Molecular consequence: missense variant.
Genome position (GRCh38, 1-based): chr16:1,984,922, G>A. VCF-style: chr16-1984922-G-A. GRCh37 (hg19) VCF-style: chr16-2034923-G-A.
Other names: short protein forms C145Y.
Identifiers: ClinVar variation 1477817 (VCV001477817.6), dbSNP rs2083555677, ClinGen allele CA394303371.
Genomic context (GRCh38, chr16:1,984,922, plus strand): 5'-AGCAGCAAGACATGGCCCAGTTCATACATTTATTTTCTAAGTTTTACCCCTGTGAGGAGT[G>A]TGCTGAAGACCTAAGAAAAAGGTAAGATGTGTTTGCACGCAGCAGAGCTTTGCACTGGAG-3'
Protein context (NP_005253.3, residues 135-155): LFSKFYPCEE[Cys145Tyr]AEDLRKRLCR

ClinVar aggregate classification (germline): Uncertain significance (1 of 4 stars; one submission).

Allele frequency attached by ClinVar (database versions not stated): TOPMed below 0.00001; gnomAD 0.00001.

Submission:

Labcorp Genetics (formerly Invitae), Labcorp
Classification: Uncertain significance. Last evaluated: 2023-08-30. Review status: criteria provided, single submitter. Criteria: Invitae Variant Classification Sherloc (09022015). Collection method: clinical testing. Allele origin: germline.
Comment: This sequence change replaces cysteine, which is neutral and slightly polar, with tyrosine, which is neutral and polar, at codon 145 of the GFER protein (p.Cys145Tyr). This variant is not present in population databases (gnomAD no frequency). This variant has not been reported in the literature in individuals affected with GFER-related conditions. ClinVar contains an entry for this variant (Variation ID: 1477817). An algorithm developed to predict the effect of missense changes on protein structure and function (PolyPhen-2) suggests that this variant is likely to be disruptive. In summary, the available evidence is currently insufficient to determine the role of this variant in disease. Therefore, it has been classified as a Variant of Uncertain Significance.